The following is an entry in ClinVar:

ClinVar aggregate classification (germline): Uncertain significance (1 of 4 stars; one submission).

Conditions:
Hereditary cancer-predisposing syndrome. Also called: Neoplastic Syndromes, Hereditary; Hereditary Cancer Syndrome; Hereditary neoplastic syndrome; Tumor predisposition. Identifiers: Orphanet 140162, MedGen C0027672, MeSH D009386, MONDO:0015356.

Submission:

Ambry Genetics
Classification: Uncertain significance for Hereditary cancer-predisposing syndrome. Last evaluated: 2023-05-19. Review status: criteria provided, single submitter. Criteria: Ambry Variant Classification Scheme 2023. Collection method: clinical testing. Allele origin: germline.
Comment: The p.L333H variant (also known as c.998T>A), located in coding exon 3 of the AXIN2 gene, results from a T to A substitution at nucleotide position 998. The leucine at codon 333 is replaced by histidine, an amino acid with similar properties. This amino acid position is conserved. In addition, this alteration is predicted to be deleterious by in silico analysis. Since supporting evidence is limited at this time, the clinical significance of this alteration remains unclear.

NM_004655.4(AXIN2):c.998T>A (p.Leu333His)

Gene: AXIN2 (axin 2; minus strand). Cytogenetic location: 17q24.1.
Variant type: single nucleotide variant.
Coding change: c.998T>A on transcript NM_004655.4 (MANE Select); coding-DNA position 998, T replaced by A.
Protein change: p.Leu333His; replaces leucine 333 with histidine.
Molecular consequence: missense variant.
Genome position (GRCh38, 1-based): chr17:65,541,516, A>T on the plus strand (T>A on the coding strand, the complement: AXIN2 is on the minus strand). VCF-style: chr17-65541516-A-T. GRCh37 (hg19) VCF-style: chr17-63537634-A-T.
Other names: c.998T>A, p.Leu333His (NM_001363813.1); short protein forms L333H.
Identifiers: ClinVar variation 2566130 (VCV002566130.2), dbSNP rs2144500450, ClinGen allele CA400679306.